The following is an entry in ClinVar:

ClinVar aggregate classification (germline): Uncertain significance (1 of 4 stars; one submission).

Submission:

GeneDx
Classification: Uncertain significance. Last evaluated: 2024-01-31. Review status: criteria provided, single submitter. Criteria: GeneDx Variant Classification Process June 2021. Collection method: clinical testing. Allele origin: germline. Affected: yes.
Comment: Not observed at significant frequency in large population cohorts (gnomAD); In silico analysis supports that this missense variant has a deleterious effect on protein structure/function; Has not been previously published as pathogenic or benign to our knowledge

NM_057175.5(NAA15):c.110T>C (p.Leu37Pro)

Gene: NAA15 (N-alpha-acetyltransferase 15, NatA auxiliary subunit; plus strand). Cytogenetic location: 4q31.1.
Variant type: single nucleotide variant.
Coding change: c.110T>C on transcript NM_057175.5 (MANE Select); coding-DNA position 110, T replaced by C.
Protein change: p.Leu37Pro; replaces leucine 37 with proline.
Molecular consequence: missense variant.
Genome position (GRCh38, 1-based): chr4:139,334,229, T>C. VCF-style: chr4-139334229-T-C. GRCh37 (hg19) VCF-style: chr4-140255383-T-C.
Other names: c.110T>C, p.Leu37Pro (NM_001410842.1); short protein forms L37P.
Identifiers: ClinVar variation 3368388 (VCV003368388.1).